The following is an entry in ClinVar:

ClinVar aggregate classification (germline): Uncertain significance (1 of 4 stars; one submission).

Submission:

Labcorp Genetics (formerly Invitae), Labcorp
Classification: Uncertain significance. Last evaluated: 2025-04-11. Review status: criteria provided, single submitter. Criteria: Invitae Variant Classification Sherloc (09022015). Collection method: clinical testing. Allele origin: germline.
Comment: This sequence change replaces proline, which is neutral and non-polar, with leucine, which is neutral and non-polar, at codon 21 of the WNT3A protein (p.Pro21Leu). This variant is not present in population databases (gnomAD no frequency). This variant has not been reported in the literature in individuals affected with WNT3A-related conditions. An algorithm developed to predict the effect of missense changes on protein structure and function (PolyPhen-2) suggests that this variant is likely to be tolerated. In summary, the available evidence is currently insufficient to determine the role of this variant in disease. Therefore, it has been classified as a Variant of Uncertain Significance.

NM_033131.4(WNT3A):c.62C>T (p.Pro21Leu)

Gene: WNT3A (Wnt family member 3A; plus strand). Cytogenetic location: 1q42.13.
Variant type: single nucleotide variant.
Coding change: c.62C>T on transcript NM_033131.4 (MANE Select); coding-DNA position 62, C replaced by T.
Protein change: p.Pro21Leu; replaces proline 21 with leucine.
Molecular consequence: missense variant.
Genome position (GRCh38, 1-based): chr1:228,007,190, C>T. VCF-style: chr1-228007190-C-T. GRCh37 (hg19) VCF-style: chr1-228194891-C-T.
Other names: short protein forms P21L.
Identifiers: ClinVar variation 4716422 (VCV004716422.1).
Genomic context (GRCh38, chr1:228,007,190, plus strand): 5'-TGGCCCCACTCGGATACTTCTTACTCCTCTGCAGCCTGAAGCAGGCTCTGGGCAGCTACC[C>T]GATCTGGTGGTGAGTGAGCCTCCTCGCGTTCGCCCCTGCCCCTGTGCGCCGCGCCCGCAG-3'
Protein context (NP_149122.1, residues 11-31): CSLKQALGSY[Pro21Leu]IWWSLAVGPQ